The following is an entry in ClinVar:

ClinVar aggregate classification (germline): Uncertain significance. Review status: criteria provided, multiple submitters, no conflicts (2 of 4 stars). 2 submissions from 2 submitters: Uncertain significance (2). Last evaluated 2024-09-30.

Conditions:
Brugada syndrome. Also called: Sudden Unexplained Death Syndrome; Sudden Unexplained Nocturnal Death Syndrome (SUNDS); Sudden unexpected nocturnal death syndrome; Sudden unexplained nocturnal death syndrome. Identifiers: Orphanet 130, MedGen C1142166, MONDO:0015263.

Allele frequency attached by ClinVar (database versions not stated): gnomAD 0.00001; gnomAD exomes 0.00001 and 0.00002; TOPMed 0.00003.
gnomAD v4.1: 37 of 1,597,006 alleles (0.0023%); highest among the groups gnomAD compares: Non-Finnish European, 0.003%; no homozygotes.

Submissions (2):

Ambry Genetics
Classification: Uncertain significance. Last evaluated: 2024-09-30. Review status: criteria provided, single submitter. Criteria: Ambry Variant Classification Scheme 2023. Collection method: clinical testing. Allele origin: germline.
Comment: The p.I346V variant (also known as c.1036A>G), located in coding exon 10 of the SLMAP gene, results from an A to G substitution at nucleotide position 1036. The isoleucine at codon 346 is replaced by valine, an amino acid with highly similar properties. This amino acid position is conserved. In addition, this alteration is predicted to be tolerated by in silico analysis. Since supporting evidence is limited at this time, the clinical significance of this alteration remains unclear.

Labcorp Genetics (formerly Invitae), Labcorp
Classification: Uncertain significance for Brugada syndrome. Last evaluated: 2024-08-07. Review status: criteria provided, single submitter. Criteria: Invitae Variant Classification Sherloc (09022015). Collection method: clinical testing. Allele origin: germline.
Comment: This sequence change replaces isoleucine, which is neutral and non-polar, with valine, which is neutral and non-polar, at codon 346 of the SLMAP protein (p.Ile346Val). This variant is present in population databases (no rsID available, gnomAD 0.0009%). This variant has not been reported in the literature in individuals affected with SLMAP-related conditions. ClinVar contains an entry for this variant (Variation ID: 1451048). An algorithm developed to predict the effect of missense changes on protein structure and function (PolyPhen-2) suggests that this variant is likely to be tolerated. In summary, the available evidence is currently insufficient to determine the role of this variant in disease. Therefore, it has been classified as a Variant of Uncertain Significance.

NM_001377540.1(SLMAP):c.1036A>G (p.Ile346Val)

Gene: SLMAP (sarcolemma associated protein; plus strand). Cytogenetic location: 3p14.3.
Variant type: single nucleotide variant.
Coding change: c.1036A>G on transcript NM_001377540.1 (MANE Select); coding-DNA position 1036, A replaced by G.
Protein change: p.Ile346Val; replaces isoleucine 346 with valine.
Molecular consequence: missense variant. On other transcripts: non-coding transcript variant (1).
Genome position (GRCh38, 1-based): chr3:57,864,617, A>G. VCF-style: chr3-57864617-A-G. GRCh37 (hg19) VCF-style: chr3-57850344-A-G.
Other names: c.1036A>G, p.Ile346Val (NM_001304420.3, NM_001304421.2, NM_001377538.1 and 17 more transcripts); short protein forms I346V.
Identifiers: ClinVar variation 1451048 (VCV001451048.13), dbSNP rs945147965, ClinGen allele CA75407857.